The following is an entry in ClinVar:

ClinVar aggregate classification (germline): Uncertain significance (1 of 4 stars; one submission).

Submission:

GeneDx
Classification: Uncertain significance. Last evaluated: 2015-09-08. Review status: criteria provided, single submitter. Criteria: GeneDx Variant Classification (06012015). Collection method: clinical testing. Allele origin: germline. Affected: yes.
Comment: This variant is denoted PALB2 c.709C>A at the cDNA level, p.Leu237Ile (L237I) at the protein level, and results in the change of a Leucine to an Isoleucine (CTA>ATA). This variant has not, to our knowledge, been published in the literature as pathogenic or benign. PALB2 Leu237Ile was not observed in approximately 6,500 individuals of European and African American ancestry in the NHLBI Exome Sequencing Project, indicating it is not a common benign variant in these populations. Since Leucine and Isoleucine share similar properties, this is considered a conservative amino acid substitution. PALB2 Leu237Ile occurs at a position that is not conserved and is located in the region required for DNA binding and interaction with BRCA1 (Uniprot). In silico analyses predict that this variant is unlikely to alter protein structure or function. Based on currently available information, it is unclear whether PALB2 Leu237Ile is pathogenic or benign. We consider it to be a variant of uncertain significance.

NM_024675.4(PALB2):c.709C>A (p.Leu237Ile)

Gene: PALB2 (partner and localizer of BRCA2; minus strand). Cytogenetic location: 16p12.2.
Variant type: single nucleotide variant.
Coding change: c.709C>A on transcript NM_024675.4 (MANE Select); coding-DNA position 709, C replaced by A.
Protein change: p.Leu237Ile; replaces leucine 237 with isoleucine.
Molecular consequence: missense variant.
Genome position (GRCh38, 1-based): chr16:23,635,837, G>T on the plus strand (C>A on the coding strand, the complement: PALB2 is on the minus strand). VCF-style: chr16-23635837-G-T. GRCh37 (hg19) VCF-style: chr16-23647158-G-T.
Other names: short protein forms L237I.
Identifiers: ClinVar variation 419806 (VCV000419806.2), dbSNP rs1064794118, ClinGen allele CA16620158.